The following is an entry in ClinVar:

ClinVar aggregate classification (germline): Uncertain significance (1 of 4 stars; one submission).

Allele frequency attached by ClinVar (database versions not stated): ExAC 0.00001; gnomAD 0.00001; TOPMed 0.00001; gnomAD exomes 0.00002.

Submission:

Labcorp Genetics (formerly Invitae), Labcorp
Classification: Uncertain significance. Last evaluated: 2022-09-06. Review status: criteria provided, single submitter. Criteria: Invitae Variant Classification Sherloc (09022015). Collection method: clinical testing. Allele origin: germline.
Comment: This sequence change replaces alanine, which is neutral and non-polar, with valine, which is neutral and non-polar, at codon 1446 of the LAMC3 protein (p.Ala1446Val). This variant is present in population databases (rs745579219, gnomAD 0.005%). This variant has not been reported in the literature in individuals affected with LAMC3-related conditions. ClinVar contains an entry for this variant (Variation ID: 1358837). Algorithms developed to predict the effect of missense changes on protein structure and function output the following: SIFT: "Tolerated"; PolyPhen-2: "Benign"; Align-GVGD: "Class C0". The valine amino acid residue is found in multiple mammalian species, which suggests that this missense change does not adversely affect protein function. In summary, the available evidence is currently insufficient to determine the role of this variant in disease. Therefore, it has been classified as a Variant of Uncertain Significance.

NM_006059.4(LAMC3):c.4337C>T (p.Ala1446Val)

Gene: LAMC3 (laminin subunit gamma 3; plus strand). Cytogenetic location: 9q34.12.
Variant type: single nucleotide variant.
Coding change: c.4337C>T on transcript NM_006059.4 (MANE Select); coding-DNA position 4337, C replaced by T.
Protein change: p.Ala1446Val; replaces alanine 1446 with valine.
Molecular consequence: missense variant.
Genome position (GRCh38, 1-based): chr9:131,087,582, C>T. VCF-style: chr9-131087582-C-T. GRCh37 (hg19) VCF-style: chr9-133962969-C-T.
Other names: short protein forms A1446V.
Identifiers: ClinVar variation 1358837 (VCV001358837.3), dbSNP rs745579219, ClinGen allele CA5288132.